The following is an entry in ClinVar:

ClinVar aggregate classification (germline): Pathogenic (1 of 4 stars; one submission).

Conditions:
Microcephaly, normal intelligence and immunodeficiency (NBS). Also called: BERLIN BREAKAGE SYNDROME; Immunodeficiency, microcephaly with normal intelligence; IMMUNODEFICIENCY, MICROCEPHALY, AND CHROMOSOMAL INSTABILITY; SEEMANOVA SYNDROME II; Ataxia telangiectasia variant V1; Nijmegen breakage syndrome. Identifiers: Orphanet 647, MedGen C0398791, MONDO:0009623, OMIM 251260.

Submission:

Labcorp Genetics (formerly Invitae), Labcorp
Classification: Pathogenic for Microcephaly, normal intelligence and immunodeficiency. Last evaluated: 2023-03-17. Review status: criteria provided, single submitter. Criteria: Invitae Variant Classification Sherloc (09022015). Collection method: clinical testing. Allele origin: germline.
Comment: For these reasons, this variant has been classified as Pathogenic. ClinVar contains an entry for this variant (Variation ID: 1454633). This variant has not been reported in the literature in individuals affected with NBN-related conditions. This variant is not present in population databases (gnomAD no frequency). This sequence change creates a premature translational stop signal (p.Ser118Leufs*3) in the NBN gene. It is expected to result in an absent or disrupted protein product. Loss-of-function variants in NBN are known to be pathogenic (PMID: 9590180, 16415040).

Literature cited by the submitters: PubMed 9590180; PubMed 16415040.

NM_002485.5(NBN):c.352del (p.Ser118fs)

Gene: NBN (nibrin; minus strand). Cytogenetic location: 8q21.3.
Variant type: Deletion.
Coding change: c.352del on transcript NM_002485.5 (MANE Select); coding-DNA position 352, one base deleted (T; older notation c.352delT).
Protein change: p.Ser118fs; shifts the reading frame from serine 118.
Molecular consequence: frameshift variant.
Genome position (GRCh38, 1-based): chr8:89,980,862, A deleted on the plus strand (T on the coding strand, the reverse complement: NBN is on the minus strand); the first of 2 consecutive A bases (chr8:89,980,862-89,980,863); deleting either gives the same sequence. VCF-style (leftmost placement, unchanged base first): chr8-89980861-GA-G. GRCh37 (hg19) VCF-style: chr8-90993089-GA-G.
Other names: c.106del, p.Ser36fs (NM_001024688.3); short protein forms S118fs, S36fs.
Identifiers: ClinVar variation 1454633 (VCV001454633.6), dbSNP rs2129910401, ClinGen allele CA2573143451.